The following is an entry in ClinVar:

ClinVar aggregate classification (germline): Conflicting classifications of pathogenicity. Review status: criteria provided, conflicting classifications (1 of 4 stars). 5 submissions from 5 submitters: Pathogenic (1); Uncertain significance (4). Last evaluated 2025-07-23.

Conditions:
Renal cysts and diabetes syndrome (RCAD). Also called: Familial hypoplastic, glomerulocystic kidney; MATURITY-ONSET DIABETES OF THE YOUNG, TYPE 5. Identifiers: Orphanet 93111, MedGen C0431693, MONDO:0007669, OMIM 137920.
Type 2 diabetes mellitus. Also called: Type II diabetes mellitus. Identifiers: MedGen C0011860, MeSH D003924, MONDO:0005148, OMIM 125853, HP:0005978.
Nonpapillary renal cell carcinoma. Identifiers: Orphanet 422526, MedGen CN074294, MONDO:0007763, OMIM 144700.

Allele frequency attached by ClinVar (database versions not stated): TOPMed 0.00001.

Submissions (5):

Department of Pediatric Nephrology, Wuhan Children's Hospital
Classification: Pathogenic for Renal cysts and diabetes syndrome. Last evaluated: 2025-07-23. Review status: criteria provided, single submitter. Criteria: ACMG Guidelines, 2015. Collection method: clinical testing. Allele origin: maternal. Affected: yes.

Labcorp Genetics (formerly Invitae), Labcorp
Classification: Uncertain significance. Last evaluated: 2022-08-13. Review status: criteria provided, single submitter. Criteria: Invitae Variant Classification Sherloc (09022015). Collection method: clinical testing. Allele origin: germline.
Comment: This sequence change replaces methionine, which is neutral and non-polar, with threonine, which is neutral and polar, at codon 193 of the HNF1B protein (p.Met193Thr). This variant is present in population databases (no rsID available, gnomAD 0.0009%). In summary, the available evidence is currently insufficient to determine the role of this variant in disease. Therefore, it has been classified as a Variant of Uncertain Significance. Advanced modeling of protein sequence and biophysical properties (such as structural, functional, and spatial information, amino acid conservation, physicochemical variation, residue mobility, and thermodynamic stability) performed at Invitae indicates that this missense variant is not expected to disrupt HNF1B protein function. ClinVar contains an entry for this variant (Variation ID: 805639). This variant has not been reported in the literature in individuals affected with HNF1B-related conditions.

Fulgent Genetics
Classification: Uncertain significance for Type 2 diabetes mellitus; Renal cysts and diabetes syndrome; Nonpapillary renal cell carcinoma. Last evaluated: 2022-02-08. Review status: criteria provided, single submitter. Criteria: ACMG Guidelines, 2015. Collection method: clinical testing. Allele origin: unknown.

Genetic Services Laboratory, University of Chicago
Classification: Uncertain significance. Last evaluated: 2020-04-10. Review status: criteria provided, single submitter. Criteria: ACMG Guidelines, 2015. Collection method: clinical testing. Allele origin: germline. Affected: no.
Comment: DNA sequence analysis of the HNF1B gene demonstrated a sequence change, c.578T>C, in exon 3 that results in an amino acid change, p.Met193Thr. This sequence change does not appear to have been previously described in patients with HNF1B-related disorders and has been described in the gnomAD database with a low population frequency of 0.00040% (dbSNP rs760079000). The p.Met193Thr change affects a moderately conserved amino acid residue located in a domain of the HNF1B protein that is not known to be functional. The p.Met193Thr substitution appears to be benign using several in-silico pathogenicity prediction tools (SIFT, PolyPhen2, Align GVGD, REVEL). Due to these contrasting evidences and the lack of functional studies, the clinical significance of the p.Met193Thr change remains unknown at this time.

Athena Diagnostics
Classification: Uncertain significance. Last evaluated: 2019-03-25. Review status: criteria provided, single submitter. Criteria: Athena Diagnostics Criteria. Collection method: clinical testing. Allele origin: germline.

NM_000458.4(HNF1B):c.578T>C (p.Met193Thr)

Genes: HNF1B (HNF1 homeobox B; minus strand), LOC126862549 (BRD4-independent group 4 enhancer GRCh37_chr17:36093401-36094600; plus strand). Cytogenetic location: 17q12.
Variant type: single nucleotide variant.
Coding change: c.578T>C on transcript NM_000458.4 (MANE Select); coding-DNA position 578, T replaced by C.
Protein change: p.Met193Thr; replaces methionine 193 with threonine.
Molecular consequence: missense variant. On other transcripts: intron variant (2).
Genome position (GRCh38, 1-based): chr17:37,733,788, A>G on the plus strand (T>C on the coding strand, the complement: HNF1B is on the minus strand). VCF-style: chr17-37733788-A-G. GRCh37 (hg19) VCF-style: chr17-36093781-A-G.
Other names: p.M193T; c.545-45T>C (NM_001304286.2, NM_001165923.4); short protein forms M193T.
Identifiers: ClinVar variation 805639 (VCV000805639.10), dbSNP rs760079000, ClinGen allele CA398749868.